The following is an entry in ClinVar:

ClinVar aggregate classification (germline): Uncertain significance (0 of 4 stars; one submission).

Conditions:
RIMS2-related disorder. Also called: RIMS2-related condition.

Submission:

PreventionGenetics, part of Exact Sciences
Classification: Uncertain significance for RIMS2-related condition. Last evaluated: 2024-04-05. Review status: no assertion criteria provided. Collection method: clinical testing. Allele origin: germline.
Comment: The RIMS2 c.2922G>T variant is predicted to result in the amino acid substitution p.Leu974Phe. To our knowledge, this variant has not been reported in the literature or in a large population database, indicating this variant is rare. At this time, the clinical significance of this variant is uncertain due to the absence of conclusive functional and genetic evidence.

NM_001348484.3(RIMS2):c.2922G>T (p.Leu974Phe)

Gene: RIMS2 (regulating synaptic membrane exocytosis 2; plus strand). Cytogenetic location: 8q22.3.
Variant type: single nucleotide variant.
Coding change: c.2922G>T on transcript NM_001348484.3 (MANE Select); coding-DNA position 2922, G replaced by T.
Protein change: p.Leu974Phe; replaces leucine 974 with phenylalanine.
Molecular consequence: missense variant. On other transcripts: non-coding transcript variant (2).
Genome position (GRCh38, 1-based): chr8:103,942,922, G>T. VCF-style: chr8-103942922-G-T. GRCh37 (hg19) VCF-style: chr8-104955150-G-T.
Other names: c.2697G>T, p.Leu899Phe (NM_001100117.3); c.2214G>T, p.Leu738Phe (NM_001282881.2, NM_001348505.2); c.2649G>T, p.Leu883Phe (NM_001348485.2, NM_001348489.2, NM_001348493.2); c.2802G>T, p.Leu934Phe (NM_001348486.2); c.2661G>T, p.Leu887Phe (NM_001348487.2, NM_001348490.2, NM_001348492.2 and 1 more transcripts); c.2781G>T, p.Leu927Phe (NM_001348488.2, NM_001395653.1, NM_001395654.1); c.2910G>T, p.Leu970Phe (NM_001348491.2); c.2790G>T, p.Leu930Phe (NM_001348494.2, NM_001348497.2); and 4 more; short protein forms L691F, L707F, L738F, L883F, L887F, L897F, L899F, L903F.
Identifiers: ClinVar variation 2629969 (VCV002629969.2), dbSNP rs2548783184, ClinGen allele CA371936613.